The following is an entry in ClinVar:

Conditions:
Rhabdomyosarcoma. Also called: Rhabdomyosarcoma (disease). Identifiers: Orphanet 780, MedGen C0035412, MeSH D012208, MONDO:0005212, HP:0002859.

Submission:

Davare Laboratory, Oregon Health & Science University
No classification provided (evidence only). Condition: Rhabdomyosarcoma. Last evaluated: 2020-01-27. Review status: no classification provided. Collection method: in vitro. Allele origin: not applicable. Inheritance: Somatic mutation. Functional consequence: Increased function.
ClinVar note: "not provided" was previously submitted as the classification for the variant. However, the classification appeared to be based only on an observation of functional data so it was converted to no classification on 2025-07-30.

NM_006218.4(PIK3CA):c.1375_1386del (p.Ile459_Thr462del)

Gene: PIK3CA (phosphatidylinositol-4,5-bisphosphate 3-kinase catalytic subunit alpha; plus strand). Cytogenetic location: 3q26.32.
Variant type: Deletion.
Coding change: c.1375_1386del on transcript NM_006218.4 (MANE Select); coding-DNA positions 1375 to 1386, 12 bases deleted (ATTGGTGTTACT).
Protein change: p.Ile459_Thr462del.
Molecular consequence: inframe deletion.
Genome position (GRCh38, 1-based): chr3:179,210,309-179,210,320, ATTGGTGTTACT deleted; deleting any 12 consecutive bases within chr3:179,210,307-179,210,320 gives the same sequence; the c. name uses the placement nearest the transcript's 3' end. VCF-style (leftmost placement, unchanged base first): chr3-179210306-CCTATTGGTGTTA-C. GRCh37 (hg19) VCF-style: chr3-178928094-CCTATTGGTGTTA-C.
Other names: c.1373_1384del (NM_006218.4).
Identifiers: ClinVar variation 1327587 (VCV001327587.4), dbSNP rs2108400738, ClinGen allele CA2573052122.